The following is an entry in ClinVar:

ClinVar aggregate classification (germline): Benign/Likely benign. Review status: criteria provided, multiple submitters, no conflicts (2 of 4 stars). 4 submissions from 4 submitters: Benign (1); Likely benign (2). 1 of the submissions does not count toward it. Last evaluated 2025-10-18.

Conditions:
Maturity-onset diabetes of the young type 7 (MODY7). Identifiers: Orphanet 552, MedGen C1864839, MONDO:0012513, OMIM 610508.
Monogenic diabetes. Identifiers: Orphanet 183625, MedGen C3888631, MONDO:0015967.
KLF11-related disorder. Also called: KLF11-related condition.

Allele frequency attached by ClinVar (database versions not stated): gnomAD exomes 0.00012 and 0.00027; ExAC 0.00029; 1000 Genomes Project 30x 0.00078; 1000 Genomes Project 0.00080; gnomAD 0.00084 and 0.00088; TOPMed 0.00110; ESP Exome Variant Server 0.00131.
gnomAD v4.1: 308 of 1,610,334 alleles (0.019%); highest among the groups gnomAD compares: African/African-American, 0.31%; no homozygotes.

Submissions (4):

Labcorp Genetics (formerly Invitae), Labcorp
Classification: Likely benign. Last evaluated: 2025-10-18. Review status: criteria provided, single submitter. Criteria: Invitae Variant Classification Sherloc (09022015). Collection method: clinical testing. Allele origin: germline.

Illumina Laboratory Services, Illumina
Classification: Likely benign for Maturity-onset diabetes of the young type 7. Last evaluated: 2017-04-27. Review status: criteria provided, single submitter. Criteria: ICSL Variant Classification Criteria 13 December 2019. Collection method: clinical testing. Allele origin: germline.
Comment: This variant was observed as part of a predisposition screen in an ostensibly healthy population. A literature search was performed for the gene, cDNA change, and amino acid change (where applicable). Publications were found based on this search. The evidence from the literature, in combination with allele frequency data from public databases where available, was sufficient to determine this variant is unlikely to cause disease. Therefore, this variant is classified as likely benign.

Personalized Diabetes Medicine Program, University of Maryland School of Medicine
Classification: Benign for Monogenic diabetes. Last evaluated: 2016-02-12. Review status: criteria provided, single submitter. Criteria: ACMG Guidelines, 2015. Collection method: research. Allele origin: unknown. Observed: 1 variant allele, 1 heterozygote.
Comment: ACMG Criteria: PP3, BS2, BP4

PreventionGenetics, part of Exact Sciences
Classification: Benign for KLF11-related condition. Last evaluated: 2019-03-04. Review status: no assertion criteria provided. Collection method: clinical testing. Allele origin: germline. Not counted in ClinVar's aggregate classification.
Comment: This variant is classified as benign based on ACMG/AMP sequence variant interpretation guidelines (Richards et al. 2015 PMID: 25741868, with internal and published modifications).

Literature cited by the submitters: PubMed 18593768 (cited by Illumina Laboratory Services, Illumina).

NM_003597.5(KLF11):c.1205G>A (p.Arg402Gln)

Gene: KLF11 (KLF transcription factor 11; plus strand). Cytogenetic location: 2p25.1.
Variant type: single nucleotide variant.
Coding change: c.1205G>A on transcript NM_003597.5 (MANE Select); coding-DNA position 1205, G replaced by A.
Protein change: p.Arg402Gln; replaces arginine 402 with glutamine.
Molecular consequence: missense variant.
Genome position (GRCh38, 1-based): chr2:10,048,542, G>A. VCF-style: chr2-10048542-G-A. GRCh37 (hg19) VCF-style: chr2-10188669-G-A.
Other names: c.1154G>A, p.Arg385Gln (NM_001177716.2, NM_001177718.2); short protein forms R402Q, R385Q.
Identifiers: ClinVar variation 393369 (VCV000393369.11), dbSNP rs34762805, ClinGen allele CA1525712.